The following is an entry in ClinVar:

ClinVar aggregate classification (germline): Uncertain significance. Review status: criteria provided, multiple submitters, no conflicts (2 of 4 stars). 2 submissions from 2 submitters: Uncertain significance (2). Last evaluated 2025-02-16.

Conditions:
Inborn genetic diseases. Identifiers: MedGen C0950123, MeSH D030342.

Allele frequency attached by ClinVar (database versions not stated): ExAC 0.00001; TOPMed 0.00003.
gnomAD v4.1: 1 of 1,593,296 alleles (0.000063%); highest among the groups gnomAD compares: African/African-American, 0.0014%; no homozygotes.

Submissions (2):

Ambry Genetics
Classification: Uncertain significance for Inborn genetic diseases. Last evaluated: 2025-02-16. Review status: criteria provided, single submitter. Criteria: Ambry Variant Classification Scheme 2023. Collection method: clinical testing. Allele origin: germline.
Comment: The p.L36F variant (also known as c.108G>C), located in coding exon 1 of the SAMD9 gene, results from a G to C substitution at nucleotide position 108. The leucine at codon 36 is replaced by phenylalanine, an amino acid with highly similar properties. This amino acid position is conserved. In addition, this alteration is predicted to be tolerated by in silico analysis. Based on the available evidence, the clinical significance of this variant remains unclear.

Labcorp Genetics (formerly Invitae), Labcorp
Classification: Uncertain significance. Last evaluated: 2023-06-15. Review status: criteria provided, single submitter. Criteria: Invitae Variant Classification Sherloc (09022015). Collection method: clinical testing. Allele origin: germline.
Comment: This sequence change replaces leucine, which is neutral and non-polar, with phenylalanine, which is neutral and non-polar, at codon 36 of the SAMD9 protein (p.Leu36Phe). This variant is present in population databases (rs758054589, gnomAD 0.003%). This variant has not been reported in the literature in individuals affected with SAMD9-related conditions. Advanced modeling of protein sequence and biophysical properties (such as structural, functional, and spatial information, amino acid conservation, physicochemical variation, residue mobility, and thermodynamic stability) has been performed at Invitae for this missense variant, however the output from this modeling did not meet the statistical confidence thresholds required to predict the impact of this variant on SAMD9 protein function. In summary, the available evidence is currently insufficient to determine the role of this variant in disease. Therefore, it has been classified as a Variant of Uncertain Significance.

NM_017654.4(SAMD9):c.108G>C (p.Leu36Phe)

Gene: SAMD9 (sterile alpha motif domain containing 9; minus strand). Cytogenetic location: 7q21.2.
Variant type: single nucleotide variant.
Coding change: c.108G>C on transcript NM_017654.4 (MANE Select); coding-DNA position 108, G replaced by C.
Protein change: p.Leu36Phe; replaces leucine 36 with phenylalanine.
Molecular consequence: missense variant.
Genome position (GRCh38, 1-based): chr7:93,105,990, C>G on the plus strand (G>C on the coding strand, the complement: SAMD9 is on the minus strand). VCF-style: chr7-93105990-C-G. GRCh37 (hg19) VCF-style: chr7-92735303-C-G.
Other names: c.108G>C, p.Leu36Phe (NM_001193307.2); c.108G>C (NM_017654.3); short protein forms L36F.
Identifiers: ClinVar variation 2716886 (VCV002716886.4), dbSNP rs758054589, ClinGen allele CA4343215.